The following is an entry in ClinVar:

ClinVar aggregate classification (germline): Uncertain significance (1 of 4 stars; one submission).

gnomAD v4.1: 1 of 1,542,834 alleles (0.000065%); highest among the groups gnomAD compares: African/African-American, 0.0014%; no homozygotes.

Submission:

GeneDx
Classification: Uncertain significance. Last evaluated: 2024-10-07. Review status: criteria provided, single submitter. Criteria: GeneDx Variant Classification Process June 2021. Collection method: clinical testing. Allele origin: germline. Affected: yes.
Comment: Not observed at significant frequency in large population cohorts (gnomAD); In silico analysis indicates that this missense variant does not alter protein structure/function; Has not been previously published as pathogenic or benign to our knowledge

NM_001145026.2(PTPRQ):c.5105A>G (p.Asn1702Ser)

Gene: PTPRQ (protein tyrosine phosphatase receptor type Q; plus strand). Cytogenetic location: 12q21.31.
Variant type: single nucleotide variant.
Coding change: c.5105A>G on transcript NM_001145026.2 (MANE Select); coding-DNA position 5105, A replaced by G.
Protein change: p.Asn1702Ser; replaces asparagine 1702 with serine.
Molecular consequence: missense variant.
Genome position (GRCh38, 1-based): chr12:80,613,778, A>G. VCF-style: chr12-80613778-A-G. GRCh37 (hg19) VCF-style: chr12-81007557-A-G.
Other names: short protein forms N1702S.
Identifiers: ClinVar variation 3777459 (VCV003777459.1).